The following is an entry in ClinVar:

NM_139283.2(PPTC7):c.472G>A (p.Asp158Asn)

Gene: PPTC7 (protein phosphatase targeting COQ7; minus strand). Cytogenetic location: 12q24.11.
Variant type: single nucleotide variant.
Coding change: c.472G>A on transcript NM_139283.2 (MANE Select); coding-DNA position 472, G replaced by A.
Protein change: p.Asp158Asn; replaces aspartic acid 158 with asparagine.
Molecular consequence: missense variant.
Genome position (GRCh38, 1-based): chr12:110,546,010, C>T on the plus strand (G>A on the coding strand, the complement: PPTC7 is on the minus strand). VCF-style: chr12-110546010-C-T. GRCh37 (hg19) VCF-style: chr12-110983815-C-T.
Other names: short protein forms D158N.
Identifiers: ClinVar variation 4813198 (VCV004813198.1).

ClinVar aggregate classification (germline): Likely pathogenic (1 of 4 stars; one submission).

Conditions:
Hypomyelinating leukodystrophy.

gnomAD v4.1: 3 of 1,614,216 alleles (0.00019%); highest among the groups gnomAD compares: Non-Finnish European, 0.000085%; no homozygotes.

Submission:

Medical Genetics, Taibah University College of Applied Medical Sciences
Classification: Likely pathogenic for Hypomyelinating leukodystrophy. Review status: criteria provided, single submitter. Criteria: ACMG Guidelines, 2015. Collection method: clinical testing. Allele origin: germline. Inheritance: Autosomal recessive inheritance. Affected: yes. Observed: 1 variant allele, 1 homozygote.
Comment: This variant is absent in the gnomAD database (v4.1.0) and affects a highly conserved residue. It has a high pathogenicity CADD score of 32 and is predicted to be strongly pathogenic by PrimateAI-3D and AlphaMissense, and deleterious or damaging by other in silico pathogenicity predictors, such as SIFT and MutationTaster. Functional studies showed that this variant results in PPTC7 deficiency and excessive mitophagy.

Literature cited by the submitters: PubMed 41756425.